The following is an entry in ClinVar:

ClinVar aggregate classification (germline): Uncertain significance (1 of 4 stars; one submission).

Conditions:
RYR1-related disorder. Also called: RYR1-related condition; RYR1-related disorders. Identifiers: MedGen CN239331.

Submission:

Labcorp Genetics (formerly Invitae), Labcorp
Classification: Uncertain significance for RYR1-related disorder. Last evaluated: 2023-08-04. Review status: criteria provided, single submitter. Criteria: Invitae Variant Classification Sherloc (09022015). Collection method: clinical testing. Allele origin: germline.
Comment: In summary, the available evidence is currently insufficient to determine the role of this variant in disease. Therefore, it has been classified as a Variant of Uncertain Significance. Advanced modeling of protein sequence and biophysical properties (such as structural, functional, and spatial information, amino acid conservation, physicochemical variation, residue mobility, and thermodynamic stability) performed at Invitae indicates that this missense variant is expected to disrupt RYR1 protein function. ClinVar contains an entry for this variant (Variation ID: 544417). This variant has not been reported in the literature in individuals affected with RYR1-related conditions. This variant is not present in population databases (gnomAD no frequency). This sequence change replaces proline, which is neutral and non-polar, with arginine, which is basic and polar, at codon 2616 of the RYR1 protein (p.Pro2616Arg).

NM_000540.3(RYR1):c.7847C>G (p.Pro2616Arg)

Gene: RYR1 (ryanodine receptor 1; plus strand). Cytogenetic location: 19q13.2.
Variant type: single nucleotide variant.
Coding change: c.7847C>G on transcript NM_000540.3 (MANE Select); coding-DNA position 7847, C replaced by G.
Protein change: p.Pro2616Arg; replaces proline 2616 with arginine.
Molecular consequence: missense variant.
Genome position (GRCh38, 1-based): chr19:38,502,891, C>G. VCF-style: chr19-38502891-C-G. GRCh37 (hg19) VCF-style: chr19-38993531-C-G.
Other names: c.7847C>G, p.Pro2616Arg (NM_001042723.2); short protein forms P2616R.
Identifiers: ClinVar variation 544417 (VCV000544417.8), dbSNP rs1555784680, ClinGen allele CA405673568.